The following is an entry in ClinVar:

NM_182972.3(IRF2BP2):c.505C>T (p.Pro169Ser)

Gene: IRF2BP2 (interferon regulatory factor 2 binding protein 2; minus strand). Cytogenetic location: 1q42.3.
Variant type: single nucleotide variant.
Coding change: c.505C>T on transcript NM_182972.3 (MANE Select); coding-DNA position 505, C replaced by T.
Protein change: p.Pro169Ser; replaces proline 169 with serine.
Molecular consequence: missense variant.
Genome position (GRCh38, 1-based): chr1:234,608,990, G>A on the plus strand (C>T on the coding strand, the complement: IRF2BP2 is on the minus strand). VCF-style: chr1-234608990-G-A. GRCh37 (hg19) VCF-style: chr1-234744736-G-A.
Other names: c.505C>T, p.Pro169Ser (NM_001077397.1); c.505C>T (NM_182972.2); short protein forms P169S.
Identifiers: ClinVar variation 1521117 (VCV001521117.9), dbSNP rs937929407, ClinGen allele CA39546630.

ClinVar aggregate classification (germline): Uncertain significance. Review status: criteria provided, multiple submitters, no conflicts (2 of 4 stars). 2 submissions from 2 submitters: Uncertain significance (2). Last evaluated 2025-03-19.

Allele frequency attached by ClinVar (database versions not stated): TOPMed 0.00002; gnomAD 0.00003.

Submissions (2):

Ambry Genetics
Classification: Uncertain significance. Last evaluated: 2025-03-19. Review status: criteria provided, single submitter. Criteria: Ambry Variant Classification Scheme 2023. Collection method: clinical testing. Allele origin: germline.

Labcorp Genetics (formerly Invitae), Labcorp
Classification: Uncertain significance. Last evaluated: 2024-03-13. Review status: criteria provided, single submitter. Criteria: Invitae Variant Classification Sherloc (09022015). Collection method: clinical testing. Allele origin: germline.
Comment: This sequence change replaces proline, which is neutral and non-polar, with serine, which is neutral and polar, at codon 169 of the IRF2BP2 protein (p.Pro169Ser). This variant is not present in population databases (gnomAD no frequency). This variant has not been reported in the literature in individuals affected with IRF2BP2-related conditions. ClinVar contains an entry for this variant (Variation ID: 1521117). An algorithm developed to predict the effect of missense changes on protein structure and function (PolyPhen-2) suggests that this variant is likely to be disruptive. In summary, the available evidence is currently insufficient to determine the role of this variant in disease. Therefore, it has been classified as a Variant of Uncertain Significance.